The following is an entry in ClinVar:

NM_004727.3(SLC24A1):c.2836A>T (p.Met946Leu)

Gene: SLC24A1 (solute carrier family 24 member 1; plus strand). Cytogenetic location: 15q22.31.
Variant type: single nucleotide variant.
Coding change: c.2836A>T on transcript NM_004727.3 (MANE Select); coding-DNA position 2836, A replaced by T.
Protein change: p.Met946Leu; replaces methionine 946 with leucine.
Molecular consequence: missense variant. On other transcripts: intron variant (1).
Genome position (GRCh38, 1-based): chr15:65,651,712, A>T. VCF-style: chr15-65651712-A-T. GRCh37 (hg19) VCF-style: chr15-65944050-A-T.
Other names: c.817A>T, p.Met273Leu (NM_001254740.2); c.2782A>T, p.Met928Leu (NM_001301032.1, NM_001301033.2); c.2793+770A>T (NM_001301031.1); short protein forms M928L, M946L, M273L.
Identifiers: ClinVar variation 1495687 (VCV001495687.3), dbSNP rs2141718797, ClinGen allele CA392901384.
Genomic context (GRCh38, chr15:65,651,712, plus strand): 5'-TTTCAAACTTTCAAACAGGAGTCTAGGAAGTTTTTTGTTTTCACCTTCCTGGGATCTATC[A>T]TGTGGATAGCCATGTTCTCATACCTCATGGTGTGGTGGGCTCACCAGGTGAGTGAACAGC-3'
Protein context (NP_004718.1, residues 936-956): FFVFTFLGSI[Met946Leu]WIAMFSYLMV

ClinVar aggregate classification (germline): Uncertain significance (1 of 4 stars; one submission).

Allele frequency attached by ClinVar (database versions not stated): gnomAD exomes below 0.00001.

Submission:

Labcorp Genetics (formerly Invitae), Labcorp
Classification: Uncertain significance. Last evaluated: 2021-08-04. Review status: criteria provided, single submitter. Criteria: Invitae Variant Classification Sherloc (09022015). Collection method: clinical testing. Allele origin: germline.
Comment: This sequence change replaces methionine with leucine at codon 946 of the SLC24A1 protein (p.Met946Leu). The methionine residue is weakly conserved and there is a small physicochemical difference between methionine and leucine. This variant is not present in population databases (ExAC no frequency). This variant has not been reported in the literature in individuals affected with SLC24A1-related conditions. Algorithms developed to predict the effect of missense changes on protein structure and function output the following: SIFT: "Tolerated"; PolyPhen-2: "Benign"; Align-GVGD: "Class C0". The leucine amino acid residue is found in multiple mammalian species, which suggests that this missense change does not adversely affect protein function. In summary, the available evidence is currently insufficient to determine the role of this variant in disease. Therefore, it has been classified as a Variant of Uncertain Significance.